The following is an entry in ClinVar:

NM_020971.3(SPTBN4):c.2059G>A (p.Gly687Ser)

Gene: SPTBN4 (spectrin beta, non-erythrocytic 4; plus strand). Cytogenetic location: 19q13.2.
Variant type: single nucleotide variant.
Coding change: c.2059G>A on transcript NM_020971.3 (MANE Select); coding-DNA position 2059, G replaced by A.
Protein change: p.Gly687Ser; replaces glycine 687 with serine.
Molecular consequence: missense variant.
Genome position (GRCh38, 1-based): chr19:40,512,848, G>A. VCF-style: chr19-40512848-G-A. GRCh37 (hg19) VCF-style: chr19-41018755-G-A.
Other names: short protein forms G687S.
Identifiers: ClinVar variation 2661975 (VCV002661975.1), dbSNP rs2515028206, ClinGen allele CA405909081.

ClinVar aggregate classification (germline): Uncertain significance (1 of 4 stars; one submission).

Submission:

GeneDx
Classification: Uncertain significance. Last evaluated: 2023-05-12. Review status: criteria provided, single submitter. Criteria: GeneDx Variant Classification Process June 2021. Collection method: clinical testing. Allele origin: germline. Affected: yes.
Comment: Not observed at significant frequency in large population cohorts (gnomAD); In silico analysis supports that this missense variant does not alter protein structure/function; Has not been previously published as pathogenic or benign to our knowledge